The following is an entry in ClinVar:

ClinVar aggregate classification (germline): Uncertain significance (1 of 4 stars; one submission).

Conditions:
Hereditary cancer-predisposing syndrome. Also called: Hereditary Cancer Syndrome; Hereditary neoplastic syndrome; Neoplastic Syndromes, Hereditary; Tumor predisposition. Identifiers: Orphanet 140162, MedGen C0027672, MeSH D009386, MONDO:0015356.

Submission:

Ambry Genetics
Classification: Uncertain significance for Hereditary cancer-predisposing syndrome. Last evaluated: 2019-08-10. Review status: criteria provided, single submitter. Criteria: Ambry Variant Classification Scheme 2023. Collection method: clinical testing. Allele origin: germline.
Comment: The p.E3157D variant (also known as c.9471G>T), located in coding exon 24 of the BRCA2 gene, results from a G to T substitution at nucleotide position 9471. The glutamic acid at codon 3157 is replaced by aspartic acid, an amino acid with highly similar properties. This amino acid position is highly conserved in available vertebrate species. In addition, the in silico prediction for this alteration is inconclusive. Since supporting evidence is limited at this time, the clinical significance of this alteration remains unclear.

NM_000059.4(BRCA2):c.9471G>T (p.Glu3157Asp)

Gene: BRCA2 (BRCA2 DNA repair associated; plus strand). Cytogenetic location: 13q13.1.
Variant type: single nucleotide variant.
Coding change: c.9471G>T on transcript NM_000059.4 (MANE Select); coding-DNA position 9471, G replaced by T.
Protein change: p.Glu3157Asp; replaces glutamic acid 3157 with aspartic acid.
Molecular consequence: missense variant.
Genome position (GRCh38, 1-based): chr13:32,394,903, G>T. VCF-style: chr13-32394903-G-T. GRCh37 (hg19) VCF-style: chr13-32969040-G-T.
Other names: c.9375G>T, p.Glu3125Asp (NM_001406719.1); c.9420G>T, p.Glu3140Asp (NM_001406720.1); c.4539G>T, p.Glu1513Asp (NM_001406721.1); c.3054G>T, p.Glu1018Asp (NM_001406722.1); short protein forms E1513D, E1018D, E3140D, E3157D, E3125D.
Identifiers: ClinVar variation 1767077 (VCV001767077.2), dbSNP rs1555289605, ClinGen allele CA387761757.